The following is an entry in ClinVar:

NM_003630.3(PEX3):c.682G>T (p.Asp228Tyr)

Gene: PEX3 (peroxisomal biogenesis factor 3; plus strand). Cytogenetic location: 6q24.2.
Variant type: single nucleotide variant.
Coding change: c.682G>T on transcript NM_003630.3 (MANE Select); coding-DNA position 682, G replaced by T.
Protein change: p.Asp228Tyr; replaces aspartic acid 228 with tyrosine.
Molecular consequence: missense variant.
Genome position (GRCh38, 1-based): chr6:143,472,263, G>T. VCF-style: chr6-143472263-G-T. GRCh37 (hg19) VCF-style: chr6-143793400-G-T.
Other names: c.682G>T (NM_003630.2); short protein forms D228Y.
Identifiers: ClinVar variation 2188076 (VCV002188076.3), dbSNP rs1273164263, ClinGen allele CA365912436.
Genomic context (GRCh38, chr6:143,472,263, plus strand): 5'-AAACTAAAAGAAATCAGAAATCTCGTTGAGCAGCATAAGTCTTCTTCTTGGATTAATAAA[G>T]ATGGATCCAAACCTTTATTATGCCATTATATGATGCCAGATGAAGAAACTCCATTAGCAG-3'
Protein context (NP_003621.1, residues 218-238): QHKSSSWINK[Asp228Tyr]GSKPLLCHYM

ClinVar aggregate classification (germline): Uncertain significance. Review status: criteria provided, multiple submitters, no conflicts (2 of 4 stars). 2 submissions from 2 submitters: Uncertain significance (2). Last evaluated 2025-09-05.

Conditions:
Inborn genetic diseases. Identifiers: MedGen C0950123, MeSH D030342.

Allele frequency attached by ClinVar (database versions not stated): gnomAD exomes below 0.00001; TOPMed below 0.00001.
gnomAD v4.1: 2 of 1,607,952 alleles (0.00012%); highest among the groups gnomAD compares: Admixed American, 0.0033%; no homozygotes.

Submissions (2):

Ambry Genetics
Classification: Uncertain significance for Inborn genetic diseases. Last evaluated: 2025-09-05. Review status: criteria provided, single submitter. Criteria: Ambry Variant Classification Scheme 2023. Collection method: clinical testing. Allele origin: germline.

Labcorp Genetics (formerly Invitae), Labcorp
Classification: Uncertain significance. Last evaluated: 2022-06-10. Review status: criteria provided, single submitter. Criteria: Invitae Variant Classification Sherloc (09022015). Collection method: clinical testing. Allele origin: germline.
Comment: This sequence change replaces aspartic acid, which is acidic and polar, with tyrosine, which is neutral and polar, at codon 228 of the PEX3 protein (p.Asp228Tyr). This variant is present in population databases (no rsID available, gnomAD 0.003%). This variant has not been reported in the literature in individuals affected with PEX3-related conditions. Algorithms developed to predict the effect of missense changes on protein structure and function (SIFT, PolyPhen-2, Align-GVGD) all suggest that this variant is likely to be tolerated. In summary, the available evidence is currently insufficient to determine the role of this variant in disease. Therefore, it has been classified as a Variant of Uncertain Significance.